The following is an entry in ClinVar:

ClinVar aggregate classification (germline): Uncertain significance (1 of 4 stars; one submission).

Submission:

ISCA site 4
Classification: Uncertain significance. Last evaluated: 2011-08-12. Review status: criteria provided, single submitter. Criteria: Kaminsky et al. (Genet Med. 2011). Collection method: clinical testing. Allele origin: unknown. Affected: yes. Observed: 1 variant allele.
Comment: Copy number variation identified through the course of routine clinical cytogenomic testing in postnatal populations. Clinical assertions have been curated as described in Kaminsky et al. 2011.

GRCh38/hg38 16p13.11-12.3(chr16:15457445-18658403)x3

Genes: ABCC1 (ATP binding cassette subfamily C member 1 (ABCC1 blood group); plus strand), ABCC6 (ATP binding cassette subfamily C member 6; minus strand), BMERB1 (bMERB domain containing 1; plus strand), CEP20 (centrosomal protein 20; minus strand), MARF1 (meiosis regulator and mRNA stability factor 1; minus strand) and 72 more. Cytogenetic location: 16p13.11-12.3.
Variant type: copy number gain.
Change: copy number 3 (three copies instead of two) of chr16:15,457,445-18,658,403 (3.20 Mb, GRCh38 coordinates, 1-based), cytogenetic band 16p13.11-12.3.
Identifiers: ClinVar variation 57438 (VCV000057438.1).